The following is an entry in ClinVar:

NM_001370259.2(MEN1):c.655-11C>T

Gene: MEN1 (menin 1; minus strand). Cytogenetic location: 11q13.1.
Variant type: single nucleotide variant.
Coding change: c.655-11C>T on transcript NM_001370259.2 (MANE Select); 11 bases into the intron before coding-DNA position 655, C replaced by T.
Molecular consequence: intron variant.
Genome position (GRCh38, 1-based): chr11:64,807,691, G>A on the plus strand (C>T on the coding strand, the complement: MEN1 is on the minus strand). VCF-style: chr11-64807691-G-A. GRCh37 (hg19) VCF-style: chr11-64575163-G-A.
Other names: c.655-11C>T (NM_130799.2, NM_130799.3, NM_001370260.2 and 2 more transcripts); c.670-11C>T (NM_130804.3, NM_130803.3, NM_000244.4 and 3 more transcripts); c.550-11C>T (NM_001370263.2, NM_001370262.2).
Identifiers: ClinVar variation 1562036 (VCV001562036.11), dbSNP rs781234614, ClinGen allele CA599804023.

ClinVar aggregate classification (germline): Likely benign. Review status: criteria provided, multiple submitters, no conflicts (2 of 4 stars). 4 submissions from 4 submitters: Likely benign (4). Last evaluated 2026-01-11.

Conditions:
Multiple endocrine neoplasia, type 1 (MEN1). Also called: MEA I; MEN I; WERMER SYNDROME; Endocrine adenomatosis multiple; MEN 1. Identifiers: Orphanet 652, MedGen C0025267, MeSH D018761, MONDO:0007540, OMIM 131100.

Allele frequency attached by ClinVar (database versions not stated): TOPMed below 0.00001.

Submissions (4):

Labcorp Genetics (formerly Invitae), Labcorp
Classification: Likely benign for Multiple endocrine neoplasia, type 1. Last evaluated: 2026-01-11. Review status: criteria provided, single submitter. Criteria: Invitae Variant Classification Sherloc (09022015). Collection method: clinical testing. Allele origin: germline.

Myriad Genetics, Inc.
Classification: Likely benign for Multiple endocrine neoplasia, type 1. Last evaluated: 2024-11-01. Review status: criteria provided, single submitter. Criteria: Myriad Autosomal Dominant, Autosomal Recessive and X-Linked Classification Criteria (2023). Collection method: clinical testing. Allele origin: unknown.
Comment: This variant is considered likely benign. This variant is intronic and is not expected to impact mRNA splicing.

All of Us Research Program, National Institutes of Health
Classification: Likely benign for Multiple endocrine neoplasia, type 1. Last evaluated: 2023-10-23. Review status: criteria provided, single submitter. Criteria: ACMG Guidelines, 2015. Collection method: clinical testing. Allele origin: germline. Inheritance: Autosomal dominant inheritance. Observed: 3 variant alleles, 3 heterozygotes.
Comment: This study involves interpretation of variants in research participants for the purpose of population health screening. Participant phenotype was not available at the time of variant classification. Additional details can be found in publication PMID: 35346344, PMCID: PMC8962531

Color Diagnostics, LLC DBA Color Health
Classification: Likely benign for Multiple endocrine neoplasia, type 1. Last evaluated: 2023-03-08. Review status: criteria provided, single submitter. Criteria: ACMG Guidelines, 2015. Collection method: clinical testing. Allele origin: germline.